The following is an entry in ClinVar:

ClinVar aggregate classification (germline): Uncertain significance (1 of 4 stars; one submission).

Conditions:
Cardiovascular phenotype. Identifiers: MedGen CN230736.

Allele frequency attached by ClinVar (database versions not stated): gnomAD exomes below 0.00001; gnomAD 0.00001.
gnomAD v4.1: 3 of 1,612,500 alleles (0.00019%); highest among the groups gnomAD compares: African/African-American, 0.004%; no homozygotes.

Submission:

Ambry Genetics
Classification: Uncertain significance for Cardiovascular phenotype. Last evaluated: 2025-03-14. Review status: criteria provided, single submitter. Criteria: Ambry Variant Classification Scheme 2023. Collection method: clinical testing. Allele origin: germline.
Comment: The p.L185P variant (also known as c.554T>C), located in coding exon 6 of the ANKRD1 gene, results from a T to C substitution at nucleotide position 554. The leucine at codon 185 is replaced by proline, an amino acid with similar properties. This amino acid position is highly conserved in available vertebrate species. In addition, the in silico prediction for this alteration is inconclusive. The evidence for this gene-disease relationship is limited; therefore, the clinical significance of this alteration is unclear.

NM_014391.3(ANKRD1):c.554T>C (p.Leu185Pro)

Gene: ANKRD1 (ankyrin repeat domain 1; minus strand). Cytogenetic location: 10q23.31.
Variant type: single nucleotide variant.
Coding change: c.554T>C on transcript NM_014391.3 (MANE Select); coding-DNA position 554, T replaced by C.
Protein change: p.Leu185Pro; replaces leucine 185 with proline.
Molecular consequence: missense variant.
Genome position (GRCh38, 1-based): chr10:90,916,268, A>G on the plus strand (T>C on the coding strand, the complement: ANKRD1 is on the minus strand). VCF-style: chr10-90916268-A-G. GRCh37 (hg19) VCF-style: chr10-92676025-A-G.
Other names: short protein forms L185P.
Identifiers: ClinVar variation 2449560 (VCV002449560.3), dbSNP rs1847373394, ClinGen allele CA377550980.